The following is an entry in ClinVar:

ClinVar aggregate classification (germline): Uncertain significance (1 of 4 stars; one submission).

Conditions:
Hereditary cancer-predisposing syndrome. Also called: Hereditary neoplastic syndrome; Tumor predisposition; Neoplastic Syndromes, Hereditary; Hereditary Cancer Syndrome. Identifiers: Orphanet 140162, MedGen C0027672, MeSH D009386, MONDO:0015356.

Submission:

Sema4
Classification: Uncertain significance for Hereditary cancer-predisposing syndrome. Last evaluated: 2021-05-30. Review status: criteria provided, single submitter. Criteria: Sema4 Curation Guidelines. Collection method: curation. Allele origin: germline.
Comment: The POLE c.2645A>T (p.N882I) variant has been reported in heterozygosity in at least one individual with colorectal cancer (PMID: 28427513). It was not observed in the large and broad cohorts of the Genome Aggregation Database. The variant has not been reported in ClinVar. In silico tools suggest the impact of the variant on protein function is inconclusive, though these predictions have not been confirmed by functional studies. The evidence is insufficient to meet ACMG/AMP criteria for classifying the variant as benign or pathogenic. Thus, the clinical significance of this variant is currently uncertain.

Literature cited by the submitters: PubMed 28427513.

NM_006231.4(POLE):c.2645A>T (p.Asn882Ile)

Gene: POLE (DNA polymerase epsilon, catalytic subunit; minus strand). Cytogenetic location: 12q24.33.
Variant type: single nucleotide variant.
Coding change: c.2645A>T on transcript NM_006231.4 (MANE Select); coding-DNA position 2645, A replaced by T.
Protein change: p.Asn882Ile; replaces asparagine 882 with isoleucine.
Molecular consequence: missense variant.
Genome position (GRCh38, 1-based): chr12:132,664,065, T>A on the plus strand (A>T on the coding strand, the complement: POLE is on the minus strand). VCF-style: chr12-132664065-T-A. GRCh37 (hg19) VCF-style: chr12-133240651-T-A.
Other names: short protein forms N882I.
Identifiers: ClinVar variation 1692914 (VCV001692914.1), dbSNP rs539312991, ClinGen allele CA387395446.